The following is an entry in ClinVar:

ClinVar aggregate classification (germline): Likely pathogenic. Review status: criteria provided, multiple submitters, no conflicts (2 of 4 stars). 2 submissions from 2 submitters: Likely pathogenic (2). Last evaluated 2024-05-18.

Conditions:
Neuronal ceroid lipofuscinosis. Also called: Neuronal Ceroid Lipofuscinoses. Identifiers: Orphanet 216, Orphanet 79263, MedGen C0027877, MONDO:0016295. Disease mechanism: loss of function.
Ceroid lipofuscinosis, neuronal, 6A. Also called: Neuronal ceroid lipofuscinosis, Gypsy/Indian early juvenile variant; Neuronal ceroid lipofuscinosis 6; CLN6-Related Neuronal Ceroid-Lipofuscinosis; Neuronal ceroid lipofuscinosis, late infantile, variant. Identifiers: Orphanet 168491, Orphanet 228363, MedGen C5551375, MONDO:0011144, OMIM 601780.
Ceroid lipofuscinosis, neuronal, 6B (Kufs type). Also called: Neuronal ceroid lipofuscinosis 4A. Identifiers: Orphanet 700477, MedGen C5561927, MONDO:0008768, OMIM 204300.

Submissions (2):

Fulgent Genetics
Classification: Likely pathogenic for Ceroid lipofuscinosis, neuronal, 6B (Kufs type); Ceroid lipofuscinosis, neuronal, 6A. Last evaluated: 2024-05-18. Review status: criteria provided, single submitter. Criteria: ACMG Guidelines, 2015. Collection method: clinical testing. Allele origin: germline.

Labcorp Genetics (formerly Invitae), Labcorp
Classification: Likely pathogenic for Neuronal ceroid lipofuscinosis. Last evaluated: 2024-04-02. Review status: criteria provided, single submitter. Criteria: Invitae Variant Classification Sherloc (09022015). Collection method: clinical testing. Allele origin: germline.
Comment: This sequence change affects an acceptor splice site in intron 5 of the CLN6 gene. It is expected to disrupt RNA splicing. Variants that disrupt the donor or acceptor splice site typically lead to a loss of protein function (PMID: 16199547), and loss-of-function variants in CLN6 are known to be pathogenic (PMID: 19135028). This variant is not present in population databases (gnomAD no frequency). This variant has not been reported in the literature in individuals affected with CLN6-related conditions. Algorithms developed to predict the effect of sequence changes on RNA splicing suggest that this variant may disrupt the consensus splice site. In summary, the currently available evidence indicates that the variant is pathogenic, but additional data are needed to prove that conclusively. Therefore, this variant has been classified as Likely Pathogenic.

Literature cited by the submitters: PubMed 16199547 (cited by Labcorp Genetics (formerly Invitae), Labcorp); PubMed 19135028 (cited by Labcorp Genetics (formerly Invitae), Labcorp).

NM_017882.3(CLN6):c.543-1G>A

Gene: CLN6 (CLN6 transmembrane ER protein; minus strand). Cytogenetic location: 15q23.
Variant type: single nucleotide variant.
Coding change: c.543-1G>A on transcript NM_017882.3 (MANE Select); the canonical splice acceptor site of the intron before coding-DNA position 543, G replaced by A.
Molecular consequence: splice acceptor variant.
Genome position (GRCh38, 1-based): chr15:68,209,760, C>T on the plus strand (G>A on the coding strand, the complement: CLN6 is on the minus strand). VCF-style: chr15-68209760-C-T. GRCh37 (hg19) VCF-style: chr15-68502098-C-T.
Other names: c.639-1G>A (NM_001411068.1).
Identifiers: ClinVar variation 3577614 (VCV003577614.3).
Genomic context (GRCh38, chr15:68,209,760, plus strand): 5'-TTAGAGGCAGTAAAGCAGCCGCTGAAGTACATGAAGAGGATGAGGAAGAAGGGGATGTAC[C>T]TGTGACAGGAAGGCCAGTGTCTTAGAGGCCTGCTCAGCGGCCCTCTTCCCCACAACCTCT-3'